The following is an entry in ClinVar:

ClinVar aggregate classification (germline): Likely pathogenic (1 of 4 stars; one submission).

Conditions:
Microphthalmia, isolated, with coloboma 9 (MCOPCB9). Identifiers: Orphanet 98938, MedGen C3554592, MONDO:0014059, OMIM 615145.

Submission:

Clinical Genomics, G42 Labs
Classification: Likely pathogenic for Microphthalmia, isolated, with coloboma 9. Last evaluated: 2025-02-25. Review status: criteria provided, single submitter. Criteria: ACMG Guidelines, 2015. Collection method: clinical testing. Allele origin: germline. Inheritance: Autosomal recessive inheritance. Affected: yes. Observed: 1 variant allele.
Comment: The c.5500C>T, p.(Arg1834*) variant is a nonsense variant in TENM3 gene, thereby leading to premature truncation of c-terminus of the protein. Loss of function is a known mechanism of disease in the TENM3 gene (PMID: 30513139). The variant is absent from controls in GnomAD population. This variant has not been reported in literature. Based on the above lines of evidence, this variant has been classified as likely pathogenic. ACMG Criteria: PVS1, PM2 - Likely Pathogenic

Literature cited by the submitters: PubMed 30513139.

NM_001080477.4(TENM3):c.5500C>T (p.Arg1834Ter)

Gene: TENM3 (teneurin transmembrane protein 3; plus strand). Cytogenetic location: 4q35.1.
Variant type: single nucleotide variant.
Coding change: c.5500C>T on transcript NM_001080477.4 (MANE Select); coding-DNA position 5500, C replaced by T.
Protein change: p.Arg1834Ter; replaces arginine 1834 with a stop codon.
Molecular consequence: nonsense.
Genome position (GRCh38, 1-based): chr4:182,789,288, C>T. VCF-style: chr4-182789288-C-T. GRCh37 (hg19) VCF-style: chr4-183710441-C-T.
Other names: c.4732C>T, p.Arg1578Ter (NM_001415960.1); c.4705C>T, p.Arg1569Ter (NM_001415961.1); c.4702C>T, p.Arg1568Ter (NM_001415962.1); c.4684C>T, p.Arg1562Ter (NM_001415963.1); c.4681C>T, p.Arg1561Ter (NM_001415964.1); c.5218C>T, p.Arg1740Ter (NM_001415966.1); c.5242C>T, p.Arg1748Ter (NM_001415967.1); c.5518C>T, p.Arg1840Ter (NM_001415968.1); and 4 more; short protein forms R1561*, R1562*, R1568*, R1569*, R1578*, R1740*, R1741*, R1748*.
Identifiers: ClinVar variation 3777050 (VCV003777050.1).